The following is an entry in ClinVar:

NC_000019.9:g.(?_54297283)_(54299303_?)del

Gene: NLRP12 (NLR family pyrin domain containing 12; minus strand). Cytogenetic location: 19q13.42.
Variant type: Deletion.
Identifiers: ClinVar variation 1064364 (VCV001064364.4).

ClinVar aggregate classification (germline): Uncertain significance (1 of 4 stars; one submission).

Conditions:
Familial cold autoinflammatory syndrome 2 (FCAS2). Identifiers: Orphanet 247868, MedGen C2673198, MONDO:0012724, OMIM 611762.

Submission:

Labcorp Genetics (formerly Invitae), Labcorp
Classification: Uncertain significance for Familial cold autoinflammatory syndrome 2. Last evaluated: 2020-07-16. Review status: criteria provided, single submitter. Criteria: Invitae Variant Classification Sherloc (09022015). Collection method: clinical testing. Allele origin: germline.
Comment: This variant is a gross deletion of the genomic region encompassing exon(s) 9-10 of the NLRP12 gene. The 5' boundary is likely confined to intron 8. The 3' end of this event is unknown as it extends through the termination codon beyond the assayed region for this gene and may encompass additional genes. While this deletion is not anticipated to result in nonsense mediated decay, it is expected to create a truncated protein product or disrupt mRNA translation. This variant has not been reported in the literature in individuals with NLRP12-related conditions. Experimental studies and prediction algorithms are not available or were not evaluated, and the functional significance of this variant is currently unknown. In summary, the available evidence is currently insufficient to determine the role of this variant in disease. Therefore, it has been classified as a Variant of Uncertain Significance.